The following is an entry in ClinVar:

NM_001374828.1(ARID1B):c.3721A>T (p.Lys1241Ter)

Gene: ARID1B (AT-rich interaction domain 1B; plus strand). Cytogenetic location: 6q25.3.
Variant type: single nucleotide variant.
Coding change: c.3721A>T on transcript NM_001374828.1 (MANE Select); coding-DNA position 3721, A replaced by T.
Protein change: p.Lys1241Ter; replaces lysine 1241 with a stop codon.
Molecular consequence: nonsense.
Genome position (GRCh38, 1-based): chr6:157,184,237, A>T. VCF-style: chr6-157184237-A-T. GRCh37 (hg19) VCF-style: chr6-157505371-A-T.
Other names: c.3472A>T, p.Lys1158Ter (NM_001346813.1); c.1222A>T, p.Lys408Ter (NM_001363725.2); c.3601A>T, p.Lys1201Ter (NM_001371656.1, NM_001374820.1); c.3562A>T, p.Lys1188Ter (NM_017519.3); c.3352A>T, p.Lys1118Ter (NM_020732.3); c.3139A>T, p.Lys1047Ter (NM_175863.2); short protein forms K1047*, K1118*, K1158*, K1188*, K1201*, K1241*, K408*.
Identifiers: ClinVar variation 2572384 (VCV002572384.1), dbSNP rs1554231792, ClinGen allele CA366229929.

ClinVar aggregate classification (germline): Likely pathogenic (1 of 4 stars; one submission).

Conditions:
Coffin-Siris syndrome 1 (CSS1). Also called: Mental retardation, autosomal dominant 12; ARID1B-Related Coffin-Siris Syndrome. Identifiers: Orphanet 1465, MedGen C3281201, MONDO:0007617, OMIM 135900. Disease mechanism: gain of function.

Submission:

3billion
Classification: Likely pathogenic for Coffin-Siris syndrome 1. Review status: criteria provided, single submitter. Criteria: ACMG Guidelines, 2015. Collection method: clinical testing. Allele origin: unknown. Affected: yes. Observed: 1 heterozygote.
Comment: The variant is not observed in the gnomAD v2.1.1 dataset. The variant is predicted to result in a loss or disruption of normal protein function through nonsense-mediated decay (NMD) or protein truncation. Multiple pathogenic variants are reported downstream of the variant. Therefore, this variant is classified as Likely pathogenic according to the recommendation of ACMG/AMP guideline.